The following is an entry in ClinVar:

NM_014727.3(KMT2B):c.20G>A (p.Gly7Asp)

Gene: KMT2B (lysine methyltransferase 2B; plus strand). Cytogenetic location: 19q13.12.
Variant type: single nucleotide variant.
Coding change: c.20G>A on transcript NM_014727.3 (MANE Select); coding-DNA position 20, G replaced by A.
Protein change: p.Gly7Asp; replaces glycine 7 with aspartic acid.
Molecular consequence: missense variant.
Genome position (GRCh38, 1-based): chr19:35,718,038, G>A. VCF-style: chr19-35718038-G-A. GRCh37 (hg19) VCF-style: chr19-36208940-G-A.
Other names: short protein forms G7D.
Identifiers: ClinVar variation 3687675 (VCV003687675.2).
Genomic context (GRCh38, chr19:35,718,038, plus strand): 5'-GCCCCTCCCCCCGCCTCCCCGGCCCCTCTCACGGTGCCAAGATGGCGGCGGCGGCGGGCG[G>A]CGGCAGTTGCCCCGGGCCTGGCTCCGCGCGGGGCCGCTTCCCGGGCCGGCCGCGGGGCGC-3'
Protein context (NP_055542.1, residues 1-17): MAAAAG[Gly7Asp]GSCPGPGSAR

ClinVar aggregate classification (germline): Uncertain significance (1 of 4 stars; one submission).

Submission:

Labcorp Genetics (formerly Invitae), Labcorp
Classification: Uncertain significance. Last evaluated: 2024-08-27. Review status: criteria provided, single submitter. Criteria: Invitae Variant Classification Sherloc (09022015). Collection method: clinical testing. Allele origin: germline.
Comment: This sequence change replaces glycine, which is neutral and non-polar, with aspartic acid, which is acidic and polar, at codon 7 of the KMT2B protein (p.Gly7Asp). The frequency data for this variant in the population databases is considered unreliable, as metrics indicate insufficient coverage at this position in the gnomAD database. This variant has not been reported in the literature in individuals affected with KMT2B-related conditions. Invitae Evidence Modeling of protein sequence and biophysical properties (such as structural, functional, and spatial information, amino acid conservation, physicochemical variation, residue mobility, and thermodynamic stability) indicates that this missense variant is expected to disrupt KMT2B protein function with a positive predictive value of 80%. In summary, the available evidence is currently insufficient to determine the role of this variant in disease. Therefore, it has been classified as a Variant of Uncertain Significance.